The following is an entry in ClinVar:

ClinVar aggregate classification (germline): Uncertain significance (1 of 4 stars; one submission).

Allele frequency attached by ClinVar (database versions not stated): TOPMed below 0.00001; ExAC 0.00001; gnomAD 0.00001; gnomAD exomes 0.00001.
gnomAD v4.1: 12 of 1,613,160 alleles (0.00074%); highest among the groups gnomAD compares: Admixed American, 0.0033%; no homozygotes.

Submission:

Labcorp Genetics (formerly Invitae), Labcorp
Classification: Uncertain significance. Last evaluated: 2024-11-05. Review status: criteria provided, single submitter. Criteria: Invitae Variant Classification Sherloc (09022015). Collection method: clinical testing. Allele origin: germline.
Comment: This sequence change replaces arginine, which is basic and polar, with cysteine, which is neutral and slightly polar, at codon 31 of the DDR2 protein (p.Arg31Cys). This variant is present in population databases (rs761583917, gnomAD 0.003%). This variant has not been reported in the literature in individuals affected with DDR2-related conditions. ClinVar contains an entry for this variant (Variation ID: 1046171). An algorithm developed to predict the effect of missense changes on protein structure and function (PolyPhen-2) suggests that this variant is likely to be disruptive. In summary, the available evidence is currently insufficient to determine the role of this variant in disease. Therefore, it has been classified as a Variant of Uncertain Significance.

NM_006182.4(DDR2):c.91C>T (p.Arg31Cys)

Gene: DDR2 (discoidin domain receptor tyrosine kinase 2; plus strand). Cytogenetic location: 1q23.3.
Variant type: single nucleotide variant.
Coding change: c.91C>T on transcript NM_006182.4 (MANE Select); coding-DNA position 91, C replaced by T.
Protein change: p.Arg31Cys; replaces arginine 31 with cysteine.
Molecular consequence: missense variant.
Genome position (GRCh38, 1-based): chr1:162,753,103, C>T. VCF-style: chr1-162753103-C-T. GRCh37 (hg19) VCF-style: chr1-162722893-C-T.
Other names: c.91C>T, p.Arg31Cys (NM_001014796.3, NM_001354982.2, NM_001354983.2); short protein forms R31C.
Identifiers: ClinVar variation 1046171 (VCV001046171.5), dbSNP rs761583917, ClinGen allele CA1217170.